The following is an entry in ClinVar:

ClinVar aggregate classification (germline): Benign/Likely benign. Review status: criteria provided, multiple submitters, no conflicts (2 of 4 stars). 13 submissions from 12 submitters: Benign (11); Likely benign (2). Last evaluated 2026-02-04.

Conditions:
Intellectual disability, autosomal dominant 15 (CSS3). Also called: COFFIN-SIRIS SYNDROME 3. Identifiers: Orphanet 1465, MedGen C3553248, MONDO:0013820, OMIM 614608.
Rhabdoid tumor predisposition syndrome 1 (RTPS1). Also called: Familial Posterior Fossa Brain Tumor of Infancy. Identifiers: Orphanet 231108, Orphanet 69077, MedGen C1836327, MONDO:0012252, OMIM 609322.
SMARCB1-related schwannomatosis. Also called: Schwannomatosis 1; SWNTS1. Identifiers: Orphanet 93921, MedGen C4048809, MONDO:0024517, OMIM 162091. Disease mechanism: loss of function.
Hereditary cancer-predisposing syndrome. Also called: Tumor predisposition; Hereditary Cancer Syndrome; Neoplastic Syndromes, Hereditary; Hereditary neoplastic syndrome. Identifiers: Orphanet 140162, MedGen C0027672, MeSH D009386, MONDO:0015356.

Allele frequency attached by ClinVar (database versions not stated): gnomAD exomes 0.00050 and 0.00136; ExAC 0.00159; 1000 Genomes Project 0.00459; 1000 Genomes Project 30x 0.00468; gnomAD 0.00500 and 0.00536; ESP Exome Variant Server 0.00561; TOPMed 0.00597.
gnomAD v4.1: 1,522 of 1,614,144 alleles (0.094%); highest among the groups gnomAD compares: African/African-American, 1.7%; 11 homozygotes.

Submissions (13):

Labcorp Genetics (formerly Invitae), Labcorp
Classification: Benign. Last evaluated: 2026-02-04. Review status: criteria provided, single submitter. Criteria: Invitae Variant Classification Sherloc (09022015). Collection method: clinical testing. Allele origin: germline.

KCCC/NGS Laboratory, Kuwait Cancer Control Center
Classification: Benign for SMARCB1-related schwannomatosis. Last evaluated: 2025-02-01. Review status: criteria provided, single submitter. Criteria: ACMG Guidelines, 2015. Collection method: clinical testing. Allele origin: germline. Affected: no.

ARUP Laboratories, Molecular Genetics and Genomics, ARUP Laboratories
Classification: Benign. Last evaluated: 2024-12-26. Review status: criteria provided, single submitter. Criteria: ARUP Molecular Germline Variant Investigation Process 2024. Collection method: clinical testing. Allele origin: germline.

Blueprint Genetics
Classification: Benign. Last evaluated: 2024-10-24. Review status: criteria provided, single submitter. Criteria: ACMG Guidelines, 2015. Collection method: clinical testing. Allele origin: germline.

Department of Pathology and Laboratory Medicine, Sinai Health System
Classification: Benign for SMARCB1-related schwannomatosis; Rhabdoid tumor predisposition syndrome 1; Intellectual disability, autosomal dominant 15. Last evaluated: 2022-06-23. Review status: criteria provided, single submitter. Criteria: ACMG Guidelines, 2015. Collection method: clinical testing. Allele origin: germline. Affected: yes.

CeGaT Center for Human Genetics Tuebingen
Classification: Likely benign. Last evaluated: 2020-04-01. Review status: criteria provided, single submitter. Criteria: CeGaT Center For Human Genetics Tuebingen Variant Classification Criteria Version 2. Collection method: clinical testing. Allele origin: germline. Affected: yes. Observed: 2 variant alleles.

GeneDx
Classification: Benign. Last evaluated: 2018-08-18. Review status: criteria provided, single submitter. Criteria: GeneDx Variant Classification Process June 2021. Collection method: clinical testing. Allele origin: germline. Affected: yes.

Illumina Laboratory Services, Illumina
Classification: Benign for Rhabdoid tumor predisposition syndrome 1. Last evaluated: 2018-01-13. Review status: criteria provided, single submitter. Criteria: ICSL Variant Classification Criteria 13 December 2019. Collection method: clinical testing. Allele origin: germline.
Comment: This variant was observed in the ICSL laboratory as part of a predisposition screen in an ostensibly healthy population. It had not been previously curated by ICSL or reported in the Human Gene Mutation Database (HGMD: prior to June 1st, 2018), and was therefore a candidate for classification through an automated scoring system. Utilizing variant allele frequency, disease prevalence and penetrance estimates, and inheritance mode, an automated score was calculated to assess if this variant is too frequent to cause the disease. Based on the score and internal cut-off values, a variant classified as benign is not then subjected to further curation. The score for this variant resulted in a classification of benign for this disease.

Illumina Laboratory Services, Illumina
Classification: Benign for SMARCB1-related schwannomatosis. Last evaluated: 2018-01-13. Review status: criteria provided, single submitter. Criteria: ICSL Variant Classification Criteria 13 December 2019. Collection method: clinical testing. Allele origin: germline.
Comment: the same text as in the submission from Illumina Laboratory Services, Illumina above.

Ambry Genetics
Classification: Benign for Hereditary cancer-predisposing syndrome. Last evaluated: 2016-08-03. Review status: criteria provided, single submitter. Criteria: Ambry Variant Classification Scheme 2023. Collection method: clinical testing. Allele origin: germline.

Women's Health and Genetics/Laboratory Corporation of America, LabCorp
Classification: Benign. Last evaluated: 2016-05-25. Review status: criteria provided, single submitter. Criteria: LabCorp Variant Classification Summary - May 2015. Collection method: clinical testing. Allele origin: germline.
Comment: Variant summary: The SMARCB1 c.438A>G (p.Pro146Pro) variant involves the alteration of a non-conserved nucleotide, resulting in a synonymous change. 5/5 splice prediction tools in Alamut predict no change to normal splicing. This variant was found in 193/121404 control chromosomes (including 3 homozygotes), predominantly observed in the African subpopulation at a frequency of 0.0167211 (174/10406). This frequency is significantly greater than the estimated maximal expected allele frequency of a pathogenic SMARCB1 variant (0.0000001), highly suggesting this is a benign polymorphism found primarily in populations of African origin. Based on the synonymous nature of this variant and the high allele frequency in the general population, this variant is classified as Benign.

Breakthrough Genomics
Classification: Likely benign. Review status: criteria provided, single submitter. Criteria: ACMG Guidelines, 2015. Collection method: not provided. Allele origin: germline. Inheritance: Autosomal dominant inheritance. Affected: yes.

PreventionGenetics, part of Exact Sciences
Classification: Benign. Review status: criteria provided, single submitter. Criteria: ACMG Guidelines, 2015. Collection method: clinical testing. Allele origin: germline.

NM_003073.5(SMARCB1):c.438A>G (p.Pro146=)

Gene: SMARCB1 (SWI/SNF related BAF chromatin remodeling complex subunit B1; plus strand). Cytogenetic location: 22q11.23.
Variant type: single nucleotide variant.
Coding change: c.438A>G on transcript NM_003073.5 (MANE Select); coding-DNA position 438, A replaced by G.
Protein change: p.Pro146=; no amino-acid change (proline 146 retained).
Molecular consequence: synonymous variant.
Genome position (GRCh38, 1-based): chr22:23,801,019, A>G. VCF-style: chr22-23801019-A-G. GRCh37 (hg19) VCF-style: chr22-24143206-A-G.
Other names: c.438A>G (LRG_520t1, NM_003073.4); c.411A>G, p.Pro137= (NM_001007468.3, NM_001317946.2); c.438A>G, p.Pro146= (NM_001362877.2).
Identifiers: ClinVar variation 239484 (VCV000239484.68), dbSNP rs35105793, ClinGen allele CA10145916.